The following is an entry in ClinVar:

ClinVar aggregate classification (germline): Pathogenic (1 of 4 stars; one submission).

Conditions:
Neurofibromatosis, type 1 (NF1). Also called: NEUROFIBROMATOSIS, TYPE I, SOMATIC; Neurofibromatosis, type I; Peripheral type neurofibromatosis; VON RECKLINGHAUSEN DISEASE. Identifiers: Orphanet 636, MedGen C0027831, MONDO:0018975, OMIM 162200. Disease mechanism: loss of function.

Submission:

Labcorp Genetics (formerly Invitae), Labcorp
Classification: Pathogenic for Neurofibromatosis, type 1. Last evaluated: 2022-02-18. Review status: criteria provided, single submitter. Criteria: Invitae Variant Classification Sherloc (09022015). Collection method: clinical testing. Allele origin: germline.
Comment: For these reasons, this variant has been classified as Pathogenic. This variant has not been reported in the literature in individuals affected with NF1-related conditions. This variant is not present in population databases (gnomAD no frequency). This sequence change creates a premature translational stop signal (p.Val2090Serfs*9) in the NF1 gene. It is expected to result in an absent or disrupted protein product. Loss-of-function variants in NF1 are known to be pathogenic (PMID: 10712197, 23913538).

Literature cited by the submitters: PubMed 10712197; PubMed 23913538.

NM_001042492.3(NF1):c.6327dup (p.Val2111fs)

Gene: NF1 (neurofibromin 1; plus strand). Cytogenetic location: 17q11.2.
Variant type: Duplication.
Coding change: c.6327dup on transcript NM_001042492.3 (MANE Select); coding-DNA position 6327, one base duplicated (C; older notation c.6327dupC).
Protein change: p.Val2111fs; shifts the reading frame from valine 2111.
Molecular consequence: frameshift variant.
Genome position (GRCh38, 1-based): chr17:31,336,814, C duplicated. VCF-style (leftmost placement, unchanged base first): chr17-31336813-T-TC. GRCh37 (hg19) VCF-style: chr17-29663831-T-TC.
Other names: c.6264dup, p.Val2090Serfs (NM_000267.4); short protein forms V2090fs, V2111fs.
Identifiers: ClinVar variation 2098685 (VCV002098685.4), dbSNP rs2508749484, ClinGen allele CA2580093302.